The following is an entry in ClinVar:

NM_213599.3(ANO5):c.2470del (p.Gln824fs)

Gene: ANO5 (anoctamin 5; plus strand). Cytogenetic location: 11p14.3.
Variant type: Deletion.
Coding change: c.2470del on transcript NM_213599.3 (MANE Select); coding-DNA position 2470, one base deleted (C; older notation c.2470delC).
Protein change: p.Gln824fs; shifts the reading frame from glutamine 824.
Molecular consequence: frameshift variant.
Genome position (GRCh38, 1-based): chr11:22,276,149, C deleted. VCF-style (leftmost placement, unchanged base first): chr11-22276148-GC-G. GRCh37 (hg19) VCF-style: chr11-22297694-GC-G.
Other names: c.2467del, p.Gln823fs (NM_001142649.2); c.2470delC (NM_213599.2); short protein forms Q824fs, Q823fs.
Identifiers: ClinVar variation 497102 (VCV000497102.16), dbSNP rs770694933, ClinGen allele CA5923592.

ClinVar aggregate classification (germline): Pathogenic/Likely pathogenic. Review status: criteria provided, multiple submitters, no conflicts (2 of 4 stars). 4 submissions from 4 submitters: Pathogenic (3); Likely pathogenic (1). Last evaluated 2025-08-03.

Conditions:
Autosomal recessive limb-girdle muscular dystrophy type 2L (LGMDR12). Also called: Limb-Girdle Muscular Dystrophy R12 Anoctamin-5-Related (LGMD-R12); MUSCULAR DYSTROPHY, LIMB-GIRDLE, AUTOSOMAL RECESSIVE 12; Limb-girdle muscular dystrophy, type 2L. Identifiers: Orphanet 206549, MedGen C1969785, MONDO:0012652, OMIM 611307.
Gnathodiaphyseal dysplasia (GDD). Also called: GNATHODIAPHYSEAL SCLEROSIS; OSTEOGENESIS IMPERFECTA WITH UNUSUAL SKELETAL LESIONS. Identifiers: Orphanet 53697, MedGen C1833736, MONDO:0008151, OMIM 166260.
ANO5-related disorder. Also called: ANO5-related disorders; ANO5-related condition. Identifiers: MedGen CN239193.

Allele frequency attached by ClinVar (database versions not stated): ExAC 0.00001; gnomAD 0.00001; gnomAD exomes 0.00001; TOPMed below 0.00001.

Submissions (4):

Labcorp Genetics (formerly Invitae), Labcorp
Classification: Pathogenic for Autosomal recessive limb-girdle muscular dystrophy type 2L; Gnathodiaphyseal dysplasia. Last evaluated: 2025-08-03. Review status: criteria provided, single submitter. Criteria: Invitae Variant Classification Sherloc (09022015). Collection method: clinical testing. Allele origin: germline.
Comment: This sequence change creates a premature translational stop signal (p.Gln824Asnfs*10) in the ANO5 gene. While this is not anticipated to result in nonsense mediated decay, it is expected to disrupt the last 90 amino acid(s) of the ANO5 protein. This variant is present in population databases (rs770694933, gnomAD 0.002%). This premature translational stop signal has been observed in individual(s) with autosomal recessive ANO5-related conditions (PMID: 29382405). ClinVar contains an entry for this variant (Variation ID: 497102). This variant disrupts a region of the ANO5 protein in which other variant(s) (p.His841Asp) have been determined to be pathogenic (PMID: 24022920, 31395899, 32403337). This suggests that this is a clinically significant region of the protein, and that variants that disrupt it are likely to be disease-causing. For these reasons, this variant has been classified as Pathogenic.

Athena Diagnostics
Classification: Likely pathogenic. Last evaluated: 2023-05-19. Review status: criteria provided, single submitter. Criteria: Athena Diagnostics Criteria. Collection method: clinical testing. Allele origin: unknown.
Comment: The frequency of this variant in the general population is consistent with pathogenicity. This variant is not expected to cause loss of protein expression through nonsense-mediated decay, however, it is expected to severely disrupt protein function in this gene. This variant has been identified in at least one individual with autosomal recessive muscular dystrophy.

PreventionGenetics, part of Exact Sciences
Classification: Pathogenic for ANO5-related condition. Last evaluated: 2023-04-08. Review status: criteria provided, single submitter. Criteria: ACMG Guidelines, 2015. Collection method: clinical testing. Allele origin: germline.
Comment: The ANO5 c.2470delC variant is predicted to result in a frameshift and premature protein termination (p.Gln824Asnfs*10). This variant was reported in an individual with hyperCKemia (Supp. Table 3 in Wu et al 2018. PubMed ID: 29382405). This variant is reported in 0.0018% of alleles in individuals of European (Non-Finnish) descent in gnomAD. Frameshift variants in ANO5 are expected to be pathogenic. This variant is interpreted as pathogenic.

Eurofins Ntd Llc (ga)
Classification: Pathogenic. Last evaluated: 2016-07-18. Review status: criteria provided, single submitter. Criteria: EGL Classification Definitions 2015. Collection method: clinical testing. Allele origin: germline. Observed: 1 variant allele, 1 heterozygote.

Literature cited by the submitters: PubMed 29382405 (cited by Labcorp Genetics (formerly Invitae), Labcorp and Athena Diagnostics); PubMed 24022920 (cited by Labcorp Genetics (formerly Invitae), Labcorp); PubMed 31395899 (cited by Labcorp Genetics (formerly Invitae), Labcorp); PubMed 32403337 (cited by Labcorp Genetics (formerly Invitae), Labcorp).